The following is an entry in ClinVar:

ClinVar aggregate classification (germline): Uncertain significance (1 of 4 stars; one submission).

Conditions:
Hereditary cancer-predisposing syndrome. Also called: Hereditary Cancer Syndrome; Hereditary neoplastic syndrome; Neoplastic Syndromes, Hereditary; Tumor predisposition. Identifiers: Orphanet 140162, MedGen C0027672, MeSH D009386, MONDO:0015356.

Submission:

Ambry Genetics
Classification: Uncertain significance for Hereditary cancer-predisposing syndrome. Last evaluated: 2025-05-12. Review status: criteria provided, single submitter. Criteria: Ambry Variant Classification Scheme 2023. Collection method: clinical testing. Allele origin: germline.
Comment: The p.A203S variant (also known as c.607G>T), located in coding exon 7 of the NF2 gene, results from a G to T substitution at nucleotide position 607. The alanine at codon 203 is replaced by serine, an amino acid with similar properties. This amino acid position is conserved. In addition, this alteration is predicted to be deleterious by in silico analysis. Based on the available evidence, the clinical significance of this variant remains unclear.

NM_000268.4(NF2):c.607G>T (p.Ala203Ser)

Gene: NF2 (NF2, moesin-ezrin-radixin like (MERLIN) tumor suppressor; plus strand). Cytogenetic location: 22q12.2.
Variant type: single nucleotide variant.
Coding change: c.607G>T on transcript NM_000268.4 (MANE Select); coding-DNA position 607, G replaced by T.
Protein change: p.Ala203Ser; replaces alanine 203 with serine.
Molecular consequence: missense variant. On other transcripts: intron variant (1).
Genome position (GRCh38, 1-based): chr22:29,658,196, G>T. VCF-style: chr22-29658196-G-T. GRCh37 (hg19) VCF-style: chr22-30054185-G-T.
Other names: c.493G>T, p.Ala165Ser (NM_001407053.1, NM_001407056.1); c.484G>T, p.Ala162Ser (NM_001407054.1, NM_001407058.1, NM_001407062.1 and 1 more transcripts); c.481G>T, p.Ala161Ser (NM_001407055.1, NM_181828.3); c.607G>T, p.Ala203Ser (NM_001407057.1, NM_001407059.1, NM_001407060.1 and 4 more transcripts); c.358G>T, p.Ala120Ser (NM_001407063.1, NM_001407064.1, NM_181830.3 and 1 more transcripts); c.73G>T, p.Ala25Ser (NM_001407065.1); c.376G>T, p.Ala126Ser (NM_001407067.1); c.447+15911G>T (NM_181833.3); short protein forms A120S, A126S, A161S, A165S, A203S, A25S, A162S.
Identifiers: ClinVar variation 3919153 (VCV003919153.1).
Genomic context (GRCh38, chr22:29,658,196, plus strand): 5'-TCTCCACCCATCTCACTTAGCTCCAATGACAGTGTCTTCCGTTCTCCCCACAGGGATGAA[G>T]CTGAAATGGAATATCTGAAGATAGCTCAGGACCTGGAGATGTACGGTGTGAACTACTTTG-3'
Protein context (NP_000259.1, residues 193-213): AEHRGRARDE[Ala203Ser]EMEYLKIAQD